The following is an entry in ClinVar:

ClinVar aggregate classification (germline): Pathogenic/Likely pathogenic. Review status: criteria provided, multiple submitters, no conflicts (2 of 4 stars). 2 submissions from 2 submitters: Pathogenic (1); Likely pathogenic (1). Last evaluated 2022-08-09.

Conditions:
Kniest dysplasia. Identifiers: Orphanet 485, MedGen C0265279, MONDO:0007987, OMIM 156550.

Submissions (2):

Labcorp Genetics (formerly Invitae), Labcorp
Classification: Pathogenic. Last evaluated: 2022-08-09. Review status: criteria provided, single submitter. Criteria: Invitae Variant Classification Sherloc (09022015). Collection method: clinical testing. Allele origin: germline.
Comment: This sequence change falls in intron 25 of the COL2A1 gene. It does not directly change the encoded amino acid sequence of the COL2A1 protein. It affects a nucleotide within the consensus splice site. This variant is not present in population databases (gnomAD no frequency). This variant has been observed in individual(s) with clinical features of skeletal dysplasia (Invitae). In at least one individual the variant was observed to be de novo. ClinVar contains an entry for this variant (Variation ID: 1332834). Variants that disrupt the consensus splice site are a relatively common cause of aberrant splicing (PMID: 17576681, 9536098). Algorithms developed to predict the effect of sequence changes on RNA splicing suggest that this variant is not likely to affect RNA splicing. For these reasons, this variant has been classified as Pathogenic.

Kasturba Medical College, Manipal, Kasturba Medical College, Manipal, Manipal Academy of Higher Education, Manipal, India
Classification: Likely pathogenic for Kniest dysplasia. Review status: criteria provided, single submitter. Criteria: ACMG Guidelines, 2015. Collection method: clinical testing. Allele origin: de novo. Inheritance: Autosomal dominant inheritance. Affected: yes.

Literature cited by the submitters: PubMed 17576681 (cited by Labcorp Genetics (formerly Invitae), Labcorp); PubMed 9536098 (cited by Labcorp Genetics (formerly Invitae), Labcorp); PubMed 30408610 (cited by Kasturba Medical College, Manipal, Kasturba Medical College, Manipal, Manipal Academy of Higher Education, Manipal, India).

NM_001844.5(COL2A1):c.1680+2dup

Gene: COL2A1 (collagen type II alpha 1 chain; minus strand). Cytogenetic location: 12q13.11.
Variant type: Duplication.
Coding change: c.1680+2dup on transcript NM_001844.5 (MANE Select); the canonical splice donor site of the intron after coding-DNA position 1680, one base duplicated (T; older notation c.1680+2dupT).
Molecular consequence: splice donor variant.
Genome position (GRCh38, 1-based): chr12:47,985,726, A duplicated on the plus strand (T on the coding strand, the reverse complement: COL2A1 is on the minus strand). VCF-style (leftmost placement, unchanged base first): chr12-47985725-T-TA. GRCh37 (hg19) VCF-style: chr12-48379508-T-TA.
Other names: c.1473+2dup (NM_033150.3).
Identifiers: ClinVar variation 1332834 (VCV001332834.9), dbSNP rs2136567546, ClinGen allele CA2573053667.